The following is an entry in ClinVar:

ClinVar aggregate classification (germline): Uncertain significance. Review status: criteria provided, multiple submitters, no conflicts (2 of 4 stars). 3 submissions from 3 submitters: Uncertain significance (3). Last evaluated 2023-04-11.

Conditions:
ASH1L-related neurodevelopmental disorders.
Intellectual developmental disorder, autosomal dominant 52. Also called: Intellectual disability, autosomal dominant 52; Mental retardation, autosomal dominant 52. Identifiers: MedGen C4540478, MONDO:0030918, OMIM 617796.

Allele frequency attached by ClinVar (database versions not stated): gnomAD exomes below 0.00001.
gnomAD v4.1: 1 of 1,614,148 alleles (0.000062%); highest among the groups gnomAD compares: Admixed American, 0.0017%; no homozygotes.

Submissions (3):

Genome-Nilou Lab
Classification: Uncertain significance for Intellectual developmental disorder, autosomal dominant 52. Last evaluated: 2023-04-11. Review status: criteria provided, single submitter. Criteria: ACMG Guidelines, 2015. Collection method: clinical testing. Allele origin: germline. Affected: no.

Illumina Laboratory Services, Illumina
Classification: Uncertain significance for ASH1L-related neurodevelopmental disorders. Last evaluated: 2019-09-04. Review status: criteria provided, single submitter. Criteria: ICSLVariantClassificationCriteria RUGD 01 April 2020. Collection method: clinical testing. Allele origin: unknown.
Comment: The ASH1L c.7430A>G (p.Asp2477Gly) variant is a missense variant. A literature search was performed for the gene, cDNA change, and amino acid change. No publications were found based on this search. This variant is reported at a frequency of 0.000029 in the Latino population of the Genome Aggregation Database, but this is based on one allele in a region of good sequence coverage so the variant presumed to be rare. Based on the limited evidence, the p.Asp2477Gly variant is classified as a variant of unknown significance for ASH1L-related neurodevelopmental disorders.

UNC Molecular Genetics  Laboratory, University of North Carolina at Chapel Hill
Classification: Uncertain significance for Intellectual disability, autosomal dominant 52. Review status: criteria provided, single submitter. Criteria: ACMG Guidelines, 2015. Collection method: research. Allele origin: germline. Observed: 1 variant allele. Study: CSER_NCGENES_2.
Comment: ASH1L c.7430A>G [p.D2477G] is a missense variant that changes a single amino acid from an aspartic acid to a glycine. This is a rare variant present in population databases at low allele frequency (gnomAD); however this variant has not been previously reported in association with intellectual disability and is of uncertain clinical significance.

NM_018489.3(ASH1L):c.7430A>G (p.Asp2477Gly)

Gene: ASH1L (ASH1 like histone lysine methyltransferase; minus strand). Cytogenetic location: 1q22.
Variant type: single nucleotide variant.
Coding change: c.7430A>G on transcript NM_018489.3 (MANE Select); coding-DNA position 7430, A replaced by G.
Protein change: p.Asp2477Gly; replaces aspartic acid 2477 with glycine.
Molecular consequence: missense variant.
Genome position (GRCh38, 1-based): chr1:155,349,451, T>C on the plus strand (A>G on the coding strand, the complement: ASH1L is on the minus strand). VCF-style: chr1-155349451-T-C. GRCh37 (hg19) VCF-style: chr1-155319242-T-C.
Other names: c.7445A>G, p.Asp2482Gly (NM_001366177.2); short protein forms D2477G, D2482G.
Identifiers: ClinVar variation 973285 (VCV000973285.5), dbSNP rs1167682897, ClinGen allele CA342742638.